The following is an entry in ClinVar:

ClinVar aggregate classification (germline): Conflicting classifications of pathogenicity. Review status: criteria provided, conflicting classifications (1 of 4 stars). 4 submissions from 4 submitters: Likely pathogenic (2); Benign (1); Likely benign (1). Last evaluated 2024-08-01.

Conditions:
Familial adenomatous polyposis 1 (FAP1). Also called: FAMILIAL ADENOMATOUS POLYPOSIS 1, ATTENUATED; POLYPOSIS, ADENOMATOUS INTESTINAL. Identifiers: MedGen C2713442, MONDO:0021056, OMIM 175100. Disease mechanism: loss of function.
Hereditary cancer-predisposing syndrome. Also called: Hereditary neoplastic syndrome; Neoplastic Syndromes, Hereditary; Tumor predisposition; Hereditary Cancer Syndrome. Identifiers: Orphanet 140162, MedGen C0027672, MeSH D009386, MONDO:0015356.

Submissions (4):

Laboratory of Functional Genomics, Research Centre for Medical Genetics
Classification: Likely pathogenic for Familial adenomatous polyposis 1. Last evaluated: 2024-08-01. Review status: criteria provided, single submitter. Criteria: ACMG Guidelines, 2015. Collection method: clinical testing. Allele origin: germline. Inheritance: Autosomal dominant inheritance. Affected: yes. Observed: 1 variant allele, 1 heterozygote.
Comment: This variant is absent from the gnomAD population database. RNA analysis demonstrated that the variant disrupts the donor splice site of exon 15, resulting in a frameshift and the introduction of a premature stop codon, p.(Gly618LysfsTer4). Therefore, this variant can be classified as likely pathogenic (PM2, PS3).

Ambry Genetics
Classification: Likely pathogenic for Hereditary cancer-predisposing syndrome. Last evaluated: 2024-05-10. Review status: criteria provided, single submitter. Criteria: Ambry Variant Classification Scheme 2023. Collection method: clinical testing. Allele origin: germline.
Comment: The c.1905A>G variant (also known as p.G635G), located in coding exon 14 of the APC gene, results from an A to G substitution at nucleotide position 1905. This nucleotide substitution does not change the glycine at codon 635. This nucleotide position is well conserved in available vertebrate species. In silico splice site analysis predicts that this alteration will weaken the native splice acceptor site. This variant has been observed in at least one individual with a personal and/or family history that is consistent with APC-related disease (Ambry internal data). RNA studies have demonstrated that this alteration results in abnormal splicing in the set of samples tested (Ambry internal data). This variant is considered to be rare based on population cohorts in the Genome Aggregation Database (gnomAD). Based on the majority of available evidence to date, this variant is likely to be pathogenic.

Myriad Genetics, Inc.
Classification: Benign for Familial adenomatous polyposis 1. Last evaluated: 2024-03-07. Review status: criteria provided, single submitter. Criteria: Myriad Autosomal Dominant, Autosomal Recessive and X-Linked Classification Criteria (2023). Collection method: clinical testing. Allele origin: unknown.
Comment: This variant is considered benign. This variant is a silent/synonymous amino acid change and it is not expected to impact splicing.

Labcorp Genetics (formerly Invitae), Labcorp
Classification: Likely benign for Familial adenomatous polyposis 1. Last evaluated: 2018-06-26. Review status: criteria provided, single submitter. Criteria: Invitae Variant Classification Sherloc (09022015). Collection method: clinical testing. Allele origin: germline.

NM_000038.6(APC):c.1905A>G (p.Gly635=)

Gene: APC (APC regulator of Wnt signaling pathway; plus strand). Cytogenetic location: 5q22.2.
Variant type: single nucleotide variant.
Coding change: c.1905A>G on transcript NM_000038.6 (MANE Select); coding-DNA position 1905, A replaced by G.
Protein change: p.Gly635=; no amino-acid change (glycine 635 retained).
Molecular consequence: synonymous variant.
Genome position (GRCh38, 1-based): chr5:112,835,112, A>G. VCF-style: chr5-112835112-A-G. GRCh37 (hg19) VCF-style: chr5-112170809-A-G.
Other names: c.1905A>G, p.Gly635= (NM_001127510.3, NM_001354895.2); c.1851A>G, p.Gly617= (NM_001127511.3); c.1959A>G, p.Gly653= (NM_001354896.2); c.1935A>G, p.Gly645= (NM_001354897.2); c.1830A>G, p.Gly610= (NM_001354898.2); c.1821A>G, p.Gly607= (NM_001354899.2); c.1782A>G, p.Gly594= (NM_001354900.2); c.1728A>G, p.Gly576= (NM_001354901.2); and 5 more.
Identifiers: ClinVar variation 761596 (VCV000761596.13), dbSNP rs1580604886, ClinGen allele CA445758915.
Genomic context (GRCh38, chr5:112,835,112, plus strand): 5'-TTTGGTTGGCACTCTTACTTACCGGAGCCAGACAAACACTTTAGCCATTATTGAAAGTGG[A>G]GGTGGGATATTACGGAATGTGTCCAGCTTGATAGCTACAAATGAGGACCACAGGTATATA-3'
Protein context (NP_000029.2, residues 625-645): QTNTLAIIES[Gly635=]GGILRNVSSL